The following is an entry in ClinVar:

ClinVar aggregate classification (germline): Benign/Likely benign. Review status: criteria provided, multiple submitters, no conflicts (2 of 4 stars). 4 submissions from 4 submitters: Benign (1); Likely benign (3). Last evaluated 2024-12-17.

Conditions:
Hereditary nonpolyposis colorectal neoplasms. Identifiers: MedGen C0009405, MeSH D003123.
Hereditary cancer-predisposing syndrome. Also called: Hereditary neoplastic syndrome; Hereditary Cancer Syndrome; Tumor predisposition; Neoplastic Syndromes, Hereditary. Identifiers: Orphanet 140162, MedGen C0027672, MeSH D009386, MONDO:0015356.
Lynch syndrome 5 (LYNCH5). Also called: Colorectal cancer, hereditary nonpolyposis, type 5; Hereditary non-polyposis colorectal cancer, type 5. Identifiers: Orphanet 144, MedGen C1833477, MONDO:0013710, OMIM 614350. Disease mechanism: loss of function.

Submissions (4):

Myriad Genetics, Inc.
Classification: Benign for Lynch syndrome 5. Last evaluated: 2024-12-17. Review status: criteria provided, single submitter. Criteria: Myriad Autosomal Dominant, Autosomal Recessive and X-Linked Classification Criteria (2023). Collection method: clinical testing. Allele origin: unknown.
Comment: This variant is considered benign. This variant is a silent/synonymous amino acid change and it is not expected to impact splicing.

Ambry Genetics
Classification: Likely benign for Hereditary cancer-predisposing syndrome. Last evaluated: 2024-01-31. Review status: criteria provided, single submitter. Criteria: Ambry Variant Classification Scheme 2023. Collection method: clinical testing. Allele origin: germline.

Color Diagnostics, LLC DBA Color Health
Classification: Likely benign for Hereditary cancer-predisposing syndrome. Last evaluated: 2022-02-28. Review status: criteria provided, single submitter. Criteria: ACMG Guidelines, 2015. Collection method: clinical testing. Allele origin: germline.

Labcorp Genetics (formerly Invitae), Labcorp
Classification: Likely benign for Hereditary nonpolyposis colorectal neoplasms. Last evaluated: 2021-05-28. Review status: criteria provided, single submitter. Criteria: Invitae Variant Classification Sherloc (09022015). Collection method: clinical testing. Allele origin: germline.

NM_000179.3(MSH6):c.216C>T (p.Leu72=)

Gene: MSH6 (mutS homolog 6; plus strand). Cytogenetic location: 2p16.3.
Variant type: single nucleotide variant.
Coding change: c.216C>T on transcript NM_000179.3 (MANE Select); coding-DNA position 216, C replaced by T.
Protein change: p.Leu72=; no amino-acid change (leucine 72 retained).
Molecular consequence: synonymous variant. On other transcripts: 5 prime UTR variant (1).
Genome position (GRCh38, 1-based): chr2:47,783,449, C>T. VCF-style: chr2-47783449-C-T. GRCh37 (hg19) VCF-style: chr2-48010588-C-T.
Other names: c.216C>T, p.Leu72= (NM_001281492.2); c.-521C>T (NM_001281493.2); c.216C>T (NM_000179.2).
Identifiers: ClinVar variation 1128979 (VCV001128979.13), dbSNP rs963404377, ClinGen allele CA426120822.
Genomic context (GRCh38, chr2:47,783,449, plus strand): 5'-GGCTGGGCCTGGGCCCAGGCCCTTGGCGCGCTCCGCGTCACCGCCCAAGGCGAAGAACCT[C>T]AACGGAGGGCTGCGGAGATCGGTAGCGCCTGCTGCCCCCACCAGGTAGCGGGGTGGGGGT-3'
Protein context (NP_000170.1, residues 62-82): RSASPPKAKN[Leu72=]NGGLRRSVAP